The following is an entry in ClinVar:

NM_018706.7(DHTKD1):c.155-17A>G

Gene: DHTKD1 (dehydrogenase E1 and transketolase domain containing 1; plus strand). Cytogenetic location: 10p14.
Variant type: single nucleotide variant.
Coding change: c.155-17A>G on transcript NM_018706.7 (MANE Select); 17 bases into the intron before coding-DNA position 155, A replaced by G.
Molecular consequence: intron variant.
Genome position (GRCh38, 1-based): chr10:12,081,455, A>G. VCF-style: chr10-12081455-A-G. GRCh37 (hg19) VCF-style: chr10-12123454-A-G.
Identifiers: ClinVar variation 1487636 (VCV001487636.9), dbSNP rs746248223, ClinGen allele CA5407463.

ClinVar aggregate classification (germline): Conflicting classifications of pathogenicity. Review status: criteria provided, conflicting classifications (1 of 4 stars). 2 submissions from 2 submitters: Uncertain significance (1); Likely benign (1). Last evaluated 2026-01-07.

Conditions:
2-aminoadipic 2-oxoadipic aciduria (AAKAD). Also called: Aminoadipic aciduria; ALPHA-AMINOADIPIC AND ALPHA-KETOADIPIC ACIDURIA. Identifiers: Orphanet 79154, MedGen C1859817, MONDO:0008774, OMIM 204750.

Allele frequency attached by ClinVar (database versions not stated): gnomAD exomes below 0.00001 and 0.00001; ExAC 0.00001; gnomAD 0.00001; TOPMed 0.00001.
gnomAD v4.1: 5 of 1,612,818 alleles (0.00031%); highest among the groups gnomAD compares: East Asian, 0.0022%; no homozygotes.

Submissions (2):

Labcorp Genetics (formerly Invitae), Labcorp
Classification: Uncertain significance for 2-aminoadipic 2-oxoadipic aciduria. Last evaluated: 2026-01-07. Review status: criteria provided, single submitter. Criteria: Invitae Variant Classification Sherloc (09022015). Collection method: clinical testing. Allele origin: germline.
Comment: This sequence change falls in intron 1 of the DHTKD1 gene. It does not directly change the encoded amino acid sequence of the DHTKD1 protein. This variant is present in population databases (rs746248223, gnomAD 0.0009%). This variant has not been reported in the literature in individuals affected with DHTKD1-related conditions. ClinVar contains an entry for this variant (Variation ID: 1487636). Algorithms developed to predict the effect of sequence changes on RNA splicing suggest that this variant may disrupt the consensus splice site. In summary, the available evidence is currently insufficient to determine the role of this variant in disease. Therefore, it has been classified as a Variant of Uncertain Significance.

Women's Health and Genetics/Laboratory Corporation of America, LabCorp
Classification: Likely benign. Last evaluated: 2025-03-10. Review status: criteria provided, single submitter. Criteria: LabCorp Variant Classification Summary - May 2015. Collection method: clinical testing. Allele origin: germline.